The following is an entry in ClinVar:

NM_000038.6(APC):c.2949T>G (p.Ile983Met)

Gene: APC (APC regulator of Wnt signaling pathway; plus strand). Cytogenetic location: 5q22.2.
Variant type: single nucleotide variant.
Coding change: c.2949T>G on transcript NM_000038.6 (MANE Select); coding-DNA position 2949, T replaced by G.
Protein change: p.Ile983Met; replaces isoleucine 983 with methionine.
Molecular consequence: missense variant.
Genome position (GRCh38, 1-based): chr5:112,838,543, T>G. VCF-style: chr5-112838543-T-G. GRCh37 (hg19) VCF-style: chr5-112174240-T-G.
Other names: c.2949T>G, p.Ile983Met (NM_001127510.3, NM_001354895.2); c.2895T>G, p.Ile965Met (NM_001127511.3); c.3003T>G, p.Ile1001Met (NM_001354896.2); c.2979T>G, p.Ile993Met (NM_001354897.2); c.2874T>G, p.Ile958Met (NM_001354898.2); c.2865T>G, p.Ile955Met (NM_001354899.2); c.2826T>G, p.Ile942Met (NM_001354900.2); c.2772T>G, p.Ile924Met (NM_001354901.2); and 5 more; short protein forms I823M, I857M, I882M, I942M, I965M, I983M, I993M, I892M.
Identifiers: ClinVar variation 1385408 (VCV001385408.9), dbSNP rs2149880915, ClinGen allele CA16027773.

ClinVar aggregate classification (germline): Uncertain significance. Review status: criteria provided, multiple submitters, no conflicts (2 of 4 stars). 2 submissions from 2 submitters: Uncertain significance (2). Last evaluated 2024-04-16.

Conditions:
Hereditary cancer-predisposing syndrome. Also called: Tumor predisposition; Neoplastic Syndromes, Hereditary; Hereditary Cancer Syndrome; Hereditary neoplastic syndrome. Identifiers: Orphanet 140162, MedGen C0027672, MeSH D009386, MONDO:0015356.
Familial adenomatous polyposis 1 (FAP1). Also called: POLYPOSIS, ADENOMATOUS INTESTINAL; FAMILIAL ADENOMATOUS POLYPOSIS 1, ATTENUATED. Identifiers: MedGen C2713442, MONDO:0021056, OMIM 175100. Disease mechanism: loss of function.

Submissions (2):

Ambry Genetics
Classification: Uncertain significance for Hereditary cancer-predisposing syndrome. Last evaluated: 2024-04-16. Review status: criteria provided, single submitter. Criteria: Ambry Variant Classification Scheme 2023. Collection method: clinical testing. Allele origin: germline.
Comment: The p.I983M variant (also known as c.2949T>G), located in coding exon 15 of the APC gene, results from a T to G substitution at nucleotide position 2949. The isoleucine at codon 983 is replaced by methionine, an amino acid with highly similar properties. This amino acid position is not well conserved in available vertebrate species. In addition, in silico predictors for this gene do not accurately predict pathogenicity. Missense alterations in APC are not a common cause of disease (Spier I et al. Genet Med. 2024 Feb;26(2):100992). Since supporting evidence is limited at this time, the clinical significance of this alteration remains unclear.

Labcorp Genetics (formerly Invitae), Labcorp
Classification: Uncertain significance for Familial adenomatous polyposis 1. Last evaluated: 2023-09-03. Review status: criteria provided, single submitter. Criteria: Invitae Variant Classification Sherloc (09022015). Collection method: clinical testing. Allele origin: germline.
Comment: Advanced modeling of protein sequence and biophysical properties (such as structural, functional, and spatial information, amino acid conservation, physicochemical variation, residue mobility, and thermodynamic stability) performed at Invitae indicates that this missense variant is not expected to disrupt APC protein function. In summary, the available evidence is currently insufficient to determine the role of this variant in disease. Therefore, it has been classified as a Variant of Uncertain Significance. ClinVar contains an entry for this variant (Variation ID: 1385408). This sequence change replaces isoleucine, which is neutral and non-polar, with methionine, which is neutral and non-polar, at codon 983 of the APC protein (p.Ile983Met). This variant is not present in population databases (gnomAD no frequency). This variant has not been reported in the literature in individuals affected with APC-related conditions.